The following is an entry in ClinVar:

NM_015122.3(FCHO1):c.1021C>T (p.Arg341Cys)

Gene: FCHO1 (FCH and mu domain containing endocytic adaptor 1; plus strand). Cytogenetic location: 19p13.11.
Variant type: single nucleotide variant.
Coding change: c.1021C>T on transcript NM_015122.3 (MANE Select); coding-DNA position 1021, C replaced by T.
Protein change: p.Arg341Cys; replaces arginine 341 with cysteine.
Molecular consequence: missense variant. On other transcripts: non-coding transcript variant (36).
Genome position (GRCh38, 1-based): chr19:17,776,000, C>T. VCF-style: chr19-17776000-C-T. GRCh37 (hg19) VCF-style: chr19-17886809-C-T.
Other names: c.1021C>T, p.Arg341Cys (NM_001161357.2, NM_001161358.2, NM_001384370.1 and 25 more transcripts); c.871C>T, p.Arg291Cys (NM_001161359.2, NM_001384384.1, NM_001384385.1 and 3 more transcripts); c.982C>T, p.Arg328Cys (NM_001384388.1, NM_001384389.1, NM_001384405.1); c.946C>T, p.Arg316Cys (NM_001384390.1); c.976C>T, p.Arg326Cys (NM_001384403.1); short protein forms R291C, R316C, R326C, R328C, R341C.
Identifiers: ClinVar variation 1464388 (VCV001464388.8), dbSNP rs1358992975, ClinGen allele CA404751010.

ClinVar aggregate classification (germline): Uncertain significance (1 of 4 stars; one submission).

Allele frequency attached by ClinVar (database versions not stated): gnomAD exomes 0.00001 and 0.00002; TOPMed 0.00001.
gnomAD v4.1: 22 of 1,608,266 alleles (0.0014%); highest among the groups gnomAD compares: Non-Finnish European, 0.0017%; no homozygotes.

Submission:

Labcorp Genetics (formerly Invitae), Labcorp
Classification: Uncertain significance. Last evaluated: 2021-05-25. Review status: criteria provided, single submitter. Criteria: Invitae Variant Classification Sherloc (09022015). Collection method: clinical testing. Allele origin: germline.
Comment: This sequence change replaces arginine with cysteine at codon 341 of the FCHO1 protein (p.Arg341Cys). The arginine residue is moderately conserved and there is a large physicochemical difference between arginine and cysteine. This variant is not present in population databases (ExAC no frequency). This variant has not been reported in the literature in individuals with FCHO1-related conditions. Algorithms developed to predict the effect of missense changes on protein structure and function (SIFT, PolyPhen-2, Align-GVGD) all suggest that this variant is likely to be tolerated, but these predictions have not been confirmed by published functional studies and their clinical significance is uncertain. In summary, the available evidence is currently insufficient to determine the role of this variant in disease. Therefore, it has been classified as a Variant of Uncertain Significance.